The following is an entry in ClinVar:

ClinVar aggregate classification (germline): Uncertain significance (1 of 4 stars; one submission).

Submission:

GeneDx
Classification: Uncertain significance. Last evaluated: 2020-01-14. Review status: criteria provided, single submitter. Criteria: GeneDx Variant Classification Process June 2021. Collection method: clinical testing. Allele origin: germline. Affected: yes.
Comment: Has not been previously published as pathogenic or benign to our knowledge; Not observed in large population cohorts (Lek et al., 2016); In silico analysis, which includes protein predictors and evolutionary conservation, supports a deleterious effect

NM_001365276.2(TNXB):c.5222T>C (p.Leu1741Pro)

Gene: TNXB (tenascin XB; minus strand). Cytogenetic location: 6p21.33.
Variant type: single nucleotide variant.
Coding change: c.5222T>C on transcript NM_001365276.2 (MANE Select); coding-DNA position 5222, T replaced by C.
Protein change: p.Leu1741Pro; replaces leucine 1741 with proline.
Molecular consequence: missense variant.
Genome position (GRCh38, 1-based): chr6:32,070,183, A>G on the plus strand (T>C on the coding strand, the complement: TNXB is on the minus strand). VCF-style: chr6-32070183-A-G. GRCh37 (hg19) VCF-style: chr6-32037960-A-G.
Other names: c.5222T>C, p.Leu1741Pro (NM_019105.8); short protein forms L1741P.
Identifiers: ClinVar variation 1311828 (VCV001311828.2), dbSNP rs2151916808, ClinGen allele CA363414809.
Genomic context (GRCh38, chr6:32,070,183, plus strand): 5'-TCACCCGTGGTGCCGTCGGCAGTGAGAGGGCCATGGCGCTTCTTGCCCAGGAGGCCATAG[A>G]GGAGGAATCTGTACTTGCGGCCGGCATCCAGAGGGGTGACAGTGACAGAGCGCTCATGGC-3'
Protein context (NP_001352205.1, residues 1731-1751): LDAGRKYRFL[Leu1741Pro]YGLLGKKRHG